The following is an entry in ClinVar:

NM_001079524.2(PAICS):c.104C>T (p.Ser35Phe)

Gene: PAICS (phosphoribosylaminoimidazole carboxylase and phosphoribosylaminoimidazolesuccinocarboxamide synthase; plus strand). Cytogenetic location: 4q12.
Variant type: single nucleotide variant.
Coding change: c.104C>T on transcript NM_001079524.2 (MANE Select); coding-DNA position 104, C replaced by T.
Protein change: p.Ser35Phe; replaces serine 35 with phenylalanine.
Molecular consequence: missense variant.
Genome position (GRCh38, 1-based): chr4:56,441,750, C>T. VCF-style: chr4-56441750-C-T. GRCh37 (hg19) VCF-style: chr4-57307916-C-T.
Other names: c.104C>T, p.Ser35Phe (NM_001079525.2, NM_006452.4); c.1250C>T, p.Ser417Phe (NM_001392010.1); c.1166C>T, p.Ser389Phe (NM_001392011.1); c.731C>T, p.Ser244Phe (NM_001392012.1); short protein forms S244F, S35F, S389F, S417F.
Identifiers: ClinVar variation 3303954 (VCV003303954.1).
Genomic context (GRCh38, chr4:56,441,750, plus strand): 5'-AGGGTAAAACAAAAGAAGTCTACGAATTGTTAGACAGTCCAGGAAAAGTCCTCCTGCAGT[C>T]CAAGGACCAGATTACAGCAGGAAATGCAGCTAGAAAAAACCACCTGGAAGGAAAAGCTGC-3'
Protein context (NP_001072992.1, residues 25-45): LDSPGKVLLQ[Ser35Phe]KDQITAGNAA

ClinVar aggregate classification (germline): Uncertain significance. Review status: criteria provided, multiple submitters, no conflicts (2 of 4 stars). 2 submissions from 2 submitters: Uncertain significance (2). Last evaluated 2026-05-13.

Conditions:
Phosphoribosylaminoimidazole carboxylase deficiency (PAICSD). Identifiers: MedGen C1291561, OMIM 619859, MONDO:0859244.

gnomAD v4.1: 89 of 1,604,818 alleles (0.0055%); highest among the groups gnomAD compares: Middle Eastern, 0.16%; no homozygotes.

Submissions (2):

Computational Genomics, IRCCS Azienda Ospedaliero-universitaria Di Bologna
Classification: Uncertain significance for Phosphoribosylaminoimidazole carboxylase deficiency. Last evaluated: 2026-05-13. Review status: criteria provided, single submitter. Criteria: ACMG Guidelines, 2015. Collection method: clinical testing. Allele origin: maternal. Inheritance: Autosomal recessive inheritance. Affected: yes. Observed: 1 variant allele, 1 compound heterozygote.
Comment: The NM_001079524.2:c.104C>T (p.S35F) is a missense variant located in exon 2 of the PAICS gene. This alteration results from a C to T substitution at nucleotide position 104, causing the serine (S) at amino acid position 35 to be replaced by a phenylalanine (F). This variant has been reported only once in ClinVar VCV003303954.1) and has never been observed in the homozygous state in gnomAD (PM2_sup; version 4.1.1). Based on the evidence summarized above and the application of ACMG/AMP criteria, this variant is classified as a variant of Uncertain Significance (VUS). (PM1_Sup, PM2_Sup, PM3).

Ambry Genetics
Classification: Uncertain significance. Last evaluated: 2024-03-15. Review status: criteria provided, single submitter. Criteria: Ambry Variant Classification Scheme 2023. Collection method: clinical testing. Allele origin: germline.